The following is an entry in ClinVar:

NM_016580.4(PCDH12):c.1475A>G (p.Asn492Ser)

Genes: PCDH12 (protocadherin 12; minus strand), RNF14 (ring finger protein 14; plus strand). Cytogenetic location: 5q31.3.
Variant type: single nucleotide variant.
Coding change: c.1475A>G on transcript NM_016580.4 (MANE Select); coding-DNA position 1475, A replaced by G.
Protein change: p.Asn492Ser; replaces asparagine 492 with serine.
Molecular consequence: missense variant.
Genome position (GRCh38, 1-based): chr5:141,956,377, T>C on the plus strand (A>G on the coding strand, the complement: PCDH12 is on the minus strand). VCF-style: chr5-141956377-T-C. GRCh37 (hg19) VCF-style: chr5-141335942-T-C.
Other names: short protein forms N492S.
Identifiers: ClinVar variation 2066903 (VCV002066903.4), dbSNP rs1200157596, ClinGen allele CA361584334.
Genomic context (GRCh38, chr5:141,956,377, plus strand): 5'-GAGTCAATAGCTACTAAGTGAGCAACTGGGGAGTCCTGGATGCGGTATGAGACTTTTCCA[T>C]TAATGCCCAAGTCTGCATCATGAGCCTTGATGGTAATGAGGTGAAGAGAGGGTAAGTTGT-3'
Protein context (NP_057664.1, residues 482-502): IKAHDADLGI[Asn492Ser]GKVSYRIQDS

ClinVar aggregate classification (germline): Uncertain significance (1 of 4 stars; one submission).

Submission:

Labcorp Genetics (formerly Invitae), Labcorp
Classification: Uncertain significance. Last evaluated: 2021-12-30. Review status: criteria provided, single submitter. Criteria: Invitae Variant Classification Sherloc (09022015). Collection method: clinical testing. Allele origin: germline.
Comment: In summary, the available evidence is currently insufficient to determine the role of this variant in disease. Therefore, it has been classified as a Variant of Uncertain Significance. Advanced modeling of protein sequence and biophysical properties (such as structural, functional, and spatial information, amino acid conservation, physicochemical variation, residue mobility, and thermodynamic stability) performed at Invitae indicates that this missense variant is not expected to disrupt PCDH12 protein function. This variant has not been reported in the literature in individuals affected with PCDH12-related conditions. This variant is present in population databases (no rsID available, gnomAD 0.0009%). This sequence change replaces asparagine, which is neutral and polar, with serine, which is neutral and polar, at codon 492 of the PCDH12 protein (p.Asn492Ser).